The following is an entry in ClinVar:

ClinVar aggregate classification (germline): Likely benign. Review status: criteria provided, multiple submitters, no conflicts (2 of 4 stars). 2 submissions from 2 submitters: Likely benign (2). Last evaluated 2026-02-27.

Conditions:
GREB1L-related disorder. Also called: GREB1L-related condition.

gnomAD v4.1: 1 of 1,551,346 alleles (0.000064%); highest among the groups gnomAD compares: Non-Finnish European, 0.000087%; no homozygotes.

Submissions (2):

PreventionGenetics, part of Exact Sciences
Classification: Likely benign for GREB1L-related condition. Last evaluated: 2026-02-27. Review status: criteria provided, single submitter. Criteria: ACMG Guidelines, 2015. Collection method: clinical testing. Allele origin: germline.
Comment: This variant is classified as likely benign based on ACMG/AMP sequence variant interpretation guidelines (Richards et al. 2015 PMID: 25741868, with internal and published modifications).

Labcorp Genetics (formerly Invitae), Labcorp
Classification: Likely benign. Last evaluated: 2025-12-13. Review status: criteria provided, single submitter. Criteria: Invitae Variant Classification Sherloc (09022015). Collection method: clinical testing. Allele origin: germline.

NM_001142966.3(GREB1L):c.828G>A (p.Gln276=)

Genes: GREB1L (GREB1 like retinoic acid receptor coactivator; plus strand), GREB1L-AS1 (GREB1L antisense RNA 1; minus strand). Cytogenetic location: 18q11.1.
Variant type: single nucleotide variant.
Coding change: c.828G>A on transcript NM_001142966.3 (MANE Select); coding-DNA position 828, G replaced by A.
Protein change: p.Gln276=; no amino-acid change (glutamine 276 retained).
Molecular consequence: synonymous variant.
Genome position (GRCh38, 1-based): chr18:21,403,990, G>A. VCF-style: chr18-21403990-G-A. GRCh37 (hg19) VCF-style: chr18-18983951-G-A.
Other names: c.828G>A (NM_001142966.1); c.828G>A, p.Gln276= (NM_001410867.1, NM_001410868.1).
Identifiers: ClinVar variation 4800162 (VCV004800162.2).
Genomic context (GRCh38, chr18:21,403,990, plus strand): 5'-GTCGTCAACTGTGACCCCAGAAAATGGGACAACTAATGGATACAAATCAGGATTCACTCA[G>A]ACAGGTATGGGATATTTTCTTTTGGCATTTCAAGCATCACATGTATATTTAATGAGACTT-3'
Protein context (NP_001136438.1, residues 266-286): TTNGYKSGFT[Gln276=]TDAANGNSSH